The following is an entry in ClinVar:

ClinVar aggregate classification (germline): Uncertain significance (1 of 4 stars; one submission).

Conditions:
Inborn genetic diseases. Identifiers: MedGen C0950123, MeSH D030342.

Submission:

Ambry Genetics
Classification: Uncertain significance for Inborn genetic diseases. Last evaluated: 2026-06-20. Review status: criteria provided, single submitter. Criteria: Ambry Variant Classification Scheme 2023. Collection method: clinical testing. Allele origin: germline.
Comment: The p.Q1271P variant (also known as c.3812A>C), located in coding exon 26 of the ANKRD26 gene, results from an A to C substitution at nucleotide position 3812. The glutamine at codon 1271 is replaced by proline, an amino acid with similar properties. This amino acid position is conserved. In addition, the in silico prediction for this alteration is inconclusive. Based on the available evidence, the clinical significance of this variant remains unclear.

NM_014915.3(ANKRD26):c.3812A>C (p.Gln1271Pro)

Gene: ANKRD26 (ankyrin repeat domain 26; minus strand). Cytogenetic location: 10p12.1.
Variant type: single nucleotide variant.
Coding change: c.3812A>C on transcript NM_014915.3 (MANE Select); coding-DNA position 3812, A replaced by C.
Protein change: p.Gln1271Pro; replaces glutamine 1271 with proline.
Molecular consequence: missense variant.
Genome position (GRCh38, 1-based): chr10:27,029,352, T>G on the plus strand (A>C on the coding strand, the complement: ANKRD26 is on the minus strand). VCF-style: chr10-27029352-T-G. GRCh37 (hg19) VCF-style: chr10-27318281-T-G.
Other names: c.3809A>C, p.Gln1270Pro (NM_001256053.2); short protein forms Q1271P, Q1270P.
Identifiers: ClinVar variation 5022814 (VCV005022814.1).